The following is an entry in ClinVar:

NM_001018005.2(TPM1):c.-41C>T

Gene: TPM1 (tropomyosin 1; plus strand). Cytogenetic location: 15q22.2.
Variant type: single nucleotide variant.
Coding change: c.-41C>T on transcript NM_001018005.2 (MANE Select); 41 bases upstream of the start codon, C replaced by T.
Molecular consequence: 5 prime UTR variant.
Genome position (GRCh38, 1-based): chr15:63,042,789, C>T. VCF-style: chr15-63042789-C-T. GRCh37 (hg19) VCF-style: chr15-63334988-C-T.
Other names: c.-41C>T (NM_000366.6, NM_001018004.2, NM_001018006.2 and 7 more transcripts).
Identifiers: ClinVar variation 508349 (VCV000508349.1), dbSNP rs1335948932, ClinGen allele CA658798386.

ClinVar aggregate classification (germline): Likely benign (1 of 4 stars; one submission).

Allele frequency attached by ClinVar (database versions not stated): gnomAD exomes below 0.00001; gnomAD 0.00001; TOPMed 0.00001.
gnomAD v4.1: 2 of 1,568,740 alleles (0.00013%); highest among the groups gnomAD compares: African/African-American, 0.0027%; no homozygotes.

Submission:

GeneDx
Classification: Likely benign. Last evaluated: 2017-03-23. Review status: criteria provided, single submitter. Criteria: GeneDx Variant Classification (06012015). Collection method: clinical testing. Allele origin: germline. Affected: yes.
Comment: This variant is considered likely benign or benign based on one or more of the following criteria: it is a conservative change, it occurs at a poorly conserved position in the protein, it is predicted to be benign by multiple in silico algorithms, and/or has population frequency not consistent with disease.